The following is an entry in ClinVar:

ClinVar aggregate classification (germline): Uncertain significance (1 of 4 stars; one submission).

Conditions:
Chédiak-Higashi syndrome (CHS). Also called: Chediak-Higashi Syndrome. Identifiers: Orphanet 167, MedGen C0007965, MONDO:0008963, OMIM 214500.

Submission:

Labcorp Genetics (formerly Invitae), Labcorp
Classification: Uncertain significance for Chédiak-Higashi syndrome. Last evaluated: 2022-03-10. Review status: criteria provided, single submitter. Criteria: Invitae Variant Classification Sherloc (09022015). Collection method: clinical testing. Allele origin: germline.
Comment: In summary, the available evidence is currently insufficient to determine the role of this variant in disease. Therefore, it has been classified as a Variant of Uncertain Significance. Algorithms developed to predict the effect of sequence changes on RNA splicing suggest that this variant may disrupt the consensus splice site. This variant has not been reported in the literature in individuals affected with LYST-related conditions. This variant is not present in population databases (gnomAD no frequency). This sequence change falls in intron 29 of the LYST gene. It does not directly change the encoded amino acid sequence of the LYST protein.

NM_000081.4(LYST):c.7973-7T>G

Gene: LYST (lysosomal trafficking regulator; minus strand). Cytogenetic location: 1q42.3.
Variant type: single nucleotide variant.
Coding change: c.7973-7T>G on transcript NM_000081.4 (MANE Select); 7 bases into the intron before coding-DNA position 7973, T replaced by G.
Molecular consequence: intron variant.
Genome position (GRCh38, 1-based): chr1:235,744,164, A>C on the plus strand (T>G on the coding strand, the complement: LYST is on the minus strand). VCF-style: chr1-235744164-A-C. GRCh37 (hg19) VCF-style: chr1-235907464-A-C.
Other names: c.7973-7T>G (NM_001301365.1).
Identifiers: ClinVar variation 2108207 (VCV002108207.4), dbSNP rs2527647789, ClinGen allele CA2580062322.